The following is an entry in ClinVar:

NM_004655.4(AXIN2):c.1759G>T (p.Glu587Ter)

Gene: AXIN2 (axin 2; minus strand). Cytogenetic location: 17q24.1.
Variant type: single nucleotide variant.
Coding change: c.1759G>T on transcript NM_004655.4 (MANE Select); coding-DNA position 1759, G replaced by T.
Protein change: p.Glu587Ter; replaces glutamic acid 587 with a stop codon.
Molecular consequence: nonsense. On other transcripts: intron variant (1).
Genome position (GRCh38, 1-based): chr17:65,537,017, C>A on the plus strand (G>T on the coding strand, the complement: AXIN2 is on the minus strand). VCF-style: chr17-65537017-C-A. GRCh37 (hg19) VCF-style: chr17-63533135-C-A.
Other names: c.1712+307G>T (NM_001363813.1); short protein forms E587*.
Identifiers: ClinVar variation 2861646 (VCV002861646.3), dbSNP rs1344107562, ClinGen allele CA400676675.
Genomic context (GRCh38, chr17:65,537,017, plus strand): 5'-GCAGGGCCCCAGCTCCGCCGGGGGCCCCTCCTTCCCTGGCGGGCAGGGCCAGGCCCGGCT[C>A]CGTGCCTTTCCCATTGCGTTTGGGCAAGGTACTGCCTCTGCTGCCGCTGTGGGGAACCAA-3'

ClinVar aggregate classification (germline): Uncertain significance (1 of 4 stars; one submission).

Conditions:
Oligodontia-cancer predisposition syndrome. Also called: TOOTH AGENESIS-COLORECTAL CANCER SYNDROME. Identifiers: Orphanet 300576, MedGen C1837750, MONDO:0012075, OMIM 608615. Disease mechanism: loss of function.

Submission:

Labcorp Genetics (formerly Invitae), Labcorp
Classification: Uncertain significance for Oligodontia-cancer predisposition syndrome. Last evaluated: 2023-05-02. Review status: criteria provided, single submitter. Criteria: Invitae Variant Classification Sherloc (09022015). Collection method: clinical testing. Allele origin: germline.
Comment: In summary, the available evidence is currently insufficient to determine the role of this variant in disease. Therefore, it has been classified as a Variant of Uncertain Significance. This variant has not been reported in the literature in individuals affected with AXIN2-related conditions. This variant is not present in population databases (gnomAD no frequency). This sequence change creates a premature translational stop signal (p.Glu587*) in the AXIN2 gene. Loss-of-function variants in AXIN2 are known to be pathogenic (PMID: 21416598, 15042511). However, tissue-specific alternative splicing of AXIN2 gene results in functional isoform lacking in-frame exon 7 (also known as exon 6, PMID: 15735151). For this reason the clinical significance of loss of function variants in exon 7 is currently uncertain.

Literature cited by the submitters: PubMed 21416598; PubMed 15042511.